The following is an entry in ClinVar:

NM_004663.5(RAB11A):c.314G>C (p.Trp105Ser)

Gene: RAB11A (RAB11A, member RAS oncogene family; plus strand). Cytogenetic location: 15q22.31.
Variant type: single nucleotide variant.
Coding change: c.314G>C on transcript NM_004663.5 (MANE Select); coding-DNA position 314, G replaced by C.
Protein change: p.Trp105Ser; replaces tryptophan 105 with serine.
Molecular consequence: missense variant.
Genome position (GRCh38, 1-based): chr15:65,877,839, G>C. VCF-style: chr15-65877839-G-C. GRCh37 (hg19) VCF-style: chr15-66170177-G-C.
Other names: c.314G>C, p.Trp105Ser (NM_001206836.2); short protein forms W105S.
Identifiers: ClinVar variation 3384257 (VCV003384257.1).

ClinVar aggregate classification (germline): Uncertain significance (1 of 4 stars; one submission).

Submission:

GeneDx
Classification: Uncertain significance. Last evaluated: 2024-06-05. Review status: criteria provided, single submitter. Criteria: GeneDx Variant Classification Process June 2021. Collection method: clinical testing. Allele origin: germline. Affected: yes.
Comment: Not observed at significant frequency in large population cohorts (gnomAD); In silico analysis supports that this missense variant has a deleterious effect on protein structure/function; Has not been previously published as pathogenic or benign to our knowledge